The following is an entry in ClinVar:

ClinVar aggregate classification (germline): Conflicting classifications of pathogenicity. Review status: criteria provided, conflicting classifications (1 of 4 stars). 2 submissions from 2 submitters: Uncertain significance (1); Likely benign (1). Last evaluated 2023-03-23.

Conditions:
Hereditary cancer-predisposing syndrome. Also called: Neoplastic Syndromes, Hereditary; Hereditary Cancer Syndrome; Hereditary neoplastic syndrome; Tumor predisposition. Identifiers: Orphanet 140162, MedGen C0027672, MeSH D009386, MONDO:0015356.

Submissions (2):

University of Washington Department of Laboratory Medicine, University of Washington
Classification: Likely benign for Hereditary cancer-predisposing syndrome. Last evaluated: 2023-03-23. Review status: criteria provided, single submitter. Criteria: Dines et al. (Genet Med. 2020). Collection method: curation. Allele origin: germline.
Comment: Missense variant in a coldspot region where missense variants are very unlikely to be pathogenic (PMID:31911673).

BRCA2 exon 11 coldspot. Reclassification based on statistical prior probability.

Ambry Genetics
Classification: Uncertain significance for Hereditary cancer-predisposing syndrome. Last evaluated: 2016-05-20. Review status: criteria provided, single submitter. Criteria: Ambry Variant Classification Scheme 2023. Collection method: clinical testing. Allele origin: germline.
Comment: The p.I1808M variant (also known as c.5424T>G), located in coding exon 10 of the BRCA2 gene, results from a T to G substitution at nucleotide position 5424. The isoleucine at codon 1808 is replaced by methionine, an amino acid with highly similar properties. This variant was not reported in population based cohorts in the following databases: Database of Single Nucleotide Polymorphisms (dbSNP), NHLBI Exome Sequencing Project (ESP), and 1000 Genomes Project. In the ESP, this variant was not observed in 6503 samples (13006 alleles) with coverage at this position. To date, this alteration has been detected with an allele frequency of approximately 0.0003% (greater than 300000 alleles tested) in our clinical cohort. This amino acid position is poorly conserved in available vertebrate species. In addition, this alteration is predicted to be tolerated by in silico analysis. Since supporting evidence is limited at this time, the clinical significance of this alteration remains unclear.

NM_000059.4(BRCA2):c.5424T>G (p.Ile1808Met)

Gene: BRCA2 (BRCA2 DNA repair associated; plus strand). Cytogenetic location: 13q13.1.
Variant type: single nucleotide variant.
Coding change: c.5424T>G on transcript NM_000059.4 (MANE Select); coding-DNA position 5424, T replaced by G.
Protein change: p.Ile1808Met; replaces isoleucine 1808 with methionine.
Molecular consequence: missense variant.
Genome position (GRCh38, 1-based): chr13:32,339,779, T>G. VCF-style: chr13-32339779-T-G. GRCh37 (hg19) VCF-style: chr13-32913916-T-G.
Other names: short protein forms I1808M.
Identifiers: ClinVar variation 479325 (VCV000479325.7), dbSNP rs1555284218, ClinGen allele CA387785439.